The following is an entry in ClinVar:

NM_000463.3(UGT1A1):c.669C>T (p.Cys223=)

Genes: UGT1A8 (UDP glucuronosyltransferase family 1 member A8; plus strand), UGT1A9 (UDP glucuronosyltransferase family 1 member A9; plus strand), UGT1A10 (UDP glucuronosyltransferase family 1 member A10; plus strand), UGT1A3 (UDP glucuronosyltransferase family 1 member A3; plus strand), UGT1A4 (UDP glucuronosyltransferase family 1 member A4; plus strand) and 5 more. Cytogenetic location: 2q37.1.
Variant type: single nucleotide variant.
Coding change: c.669C>T on transcript NM_000463.3 (MANE Select); coding-DNA position 669, C replaced by T.
Protein change: p.Cys223=; no amino-acid change (cysteine 223 retained).
Molecular consequence: synonymous variant. On other transcripts: intron variant (9).
Genome position (GRCh38, 1-based): chr2:233,760,956, C>T. VCF-style: chr2-233760956-C-T. GRCh37 (hg19) VCF-style: chr2-234669602-C-T.
Other names: c.856-6078C>T (NM_019076.5, NM_019075.4, NM_021027.3 and 1 more transcripts); c.61-6078C>T (NM_205862.3); c.862-6078C>T (NM_001072.4); c.868-6078C>T (NM_019078.2, NM_007120.3, NM_019093.4).
Identifiers: ClinVar variation 732458 (VCV000732458.7), dbSNP rs770299996, ClinGen allele CA2179863.

ClinVar aggregate classification (germline): Likely benign. Review status: criteria provided, multiple submitters, no conflicts (2 of 4 stars). 2 submissions from 2 submitters: Likely benign (2). Last evaluated 2024-10-08.

Conditions:
UGT1A1-related disorder. Also called: UGT1A1-related condition; UGT1A1-related disorders.

Allele frequency attached by ClinVar (database versions not stated): gnomAD exomes 0.00002 and 0.00001; gnomAD 0.00003; TOPMed 0.00003; ExAC 0.00002.
gnomAD v4.1: 27 of 1,614,098 alleles (0.0017%); highest among the groups gnomAD compares: African/African-American, 0.0027%; no homozygotes.

Submissions (2):

PreventionGenetics, part of Exact Sciences
Classification: Likely benign for UGT1A1-related condition. Last evaluated: 2024-10-08. Review status: criteria provided, single submitter. Criteria: ACMG Guidelines, 2015. Collection method: clinical testing. Allele origin: germline.
Comment: This variant is classified as likely benign based on ACMG/AMP sequence variant interpretation guidelines (Richards et al. 2015 PMID: 25741868, with internal and published modifications).

Labcorp Genetics (formerly Invitae), Labcorp
Classification: Likely benign. Last evaluated: 2023-05-19. Review status: criteria provided, single submitter. Criteria: Invitae Variant Classification Sherloc (09022015). Collection method: clinical testing. Allele origin: germline.